The following is an entry in ClinVar:

NM_025099.6(CTC1):c.1078-4_1078-3delinsTT

Gene: CTC1 (CST telomere replication complex component 1; minus strand). Cytogenetic location: 17p13.1.
Variant type: Indel.
Coding change: c.1078-4_1078-3delinsTT on transcript NM_025099.6 (MANE Select); 4 bases into the intron before coding-DNA position 1078 through 3 bases into the intron before coding-DNA position 1078, GC replaced by TT.
Molecular consequence: intron variant.
Genome position (GRCh38, 1-based): chr17:8,235,962-8,235,963, GC replaced by AA on the plus strand (GC replaced by TT on the coding strand, the reverse complement: CTC1 is on the minus strand). VCF-style: chr17-8235962-GC-AA. GRCh37 (hg19) VCF-style: chr17-8139280-GC-AA.
Identifiers: ClinVar variation 1523519 (VCV001523519.4), dbSNP rs2151522382, ClinGen allele CA2573154564.

ClinVar aggregate classification (germline): Uncertain significance. Review status: criteria provided, multiple submitters, no conflicts (2 of 4 stars). 2 submissions from 2 submitters: Uncertain significance (2). Last evaluated 2024-01-19.

Conditions:
Dyskeratosis congenita. Identifiers: Orphanet 1775, MedGen C0265965, MONDO:0015780.
Cerebroretinal microangiopathy with calcifications and cysts 1 (CRMCC1). Identifiers: Orphanet 313838, MedGen C4552029, MONDO:0024564, OMIM 612199.

Submissions (2):

Fulgent Genetics
Classification: Uncertain significance for Cerebroretinal microangiopathy with calcifications and cysts 1. Last evaluated: 2024-01-19. Review status: criteria provided, single submitter. Criteria: ACMG Guidelines, 2015. Collection method: clinical testing. Allele origin: germline.

Labcorp Genetics (formerly Invitae), Labcorp
Classification: Uncertain significance for Dyskeratosis congenita. Last evaluated: 2022-07-05. Review status: criteria provided, single submitter. Criteria: Invitae Variant Classification Sherloc (09022015). Collection method: clinical testing. Allele origin: germline.
Comment: This sequence change falls in intron 6 of the CTC1 gene. It does not directly change the encoded amino acid sequence of the CTC1 protein. It affects a nucleotide within the consensus splice site. Information on the frequency of this variant in the gnomAD database is not available, as this variant may be reported differently in the database. This variant has not been reported in the literature in individuals affected with CTC1-related conditions. ClinVar contains an entry for this variant (Variation ID: 1523519). Variants that disrupt the consensus splice site are a relatively common cause of aberrant splicing (PMID: 17576681, 9536098). Algorithms developed to predict the effect of sequence changes on RNA splicing suggest that this variant is not likely to affect RNA splicing. In summary, the available evidence is currently insufficient to determine the role of this variant in disease. Therefore, it has been classified as a Variant of Uncertain Significance.

Literature cited by the submitters: PubMed 17576681 (cited by Labcorp Genetics (formerly Invitae), Labcorp); PubMed 9536098 (cited by Labcorp Genetics (formerly Invitae), Labcorp).